The following is an entry in ClinVar:

ClinVar aggregate classification (germline): Pathogenic (1 of 4 stars; one submission).

Conditions:
alpha Thalassemia. Also called: Alpha thalassemia spectrum. Identifiers: Orphanet 846, MedGen C0002312, MONDO:0011399, OMIM 604131.

Submission:

Natera, Inc.
Classification: Pathogenic for Alpha thalassemia. Last evaluated: 2025-12-16. Review status: criteria provided, single submitter. Criteria: Natera Variant Classification Schema (03/2026). Collection method: clinical testing. Allele origin: germline.
Comment: The c.96-8_96-2del variant in HBA2 is a canonical splice acceptor site variant predicted to affect pre-mRNA splicing, which may result in an abnormal transcript and altered protein product. This variant is expected to result in nonsense mediated decay, truncation, or a dysfunctional protein product. This variant is rare in the general population with a frequency below the threshold expected for the associated phenotype(s). Another variant at this same site results in an alteration predicted to cause a similar molecular effect has been observed in individual(s) with the associated phenotype. Given the available evidence, this variant is classified as Pathogenic.

NM_000517.6(HBA2):c.96-8_96-2del

Genes: HBA2 (hemoglobin subunit alpha 2; plus strand), LOC106804612 (hemoglobin subunit alpha 2 recombination region; plus strand). Cytogenetic location: 16p13.3.
Variant type: Deletion.
Coding change: c.96-8_96-2del on transcript NM_000517.6 (MANE Select); 8 bases into the intron before coding-DNA position 96 through the canonical splice acceptor site of the intron before coding-DNA position 96, 7 bases deleted (CCCCGCA; older notation c.96-8_96-2delCCCCGCA).
Molecular consequence: splice acceptor variant.
Genome position (GRCh38, 1-based): chr16:173,117-173,123, CCCCGCA deleted. VCF-style (leftmost placement, unchanged base first): chr16-173116-TCCCCGCA-T. GRCh37 (hg19) VCF-style: chr16-223115-TCCCCGCA-T.
Identifiers: ClinVar variation 4818696 (VCV004818696.1).